The following is an entry in ClinVar:

ClinVar aggregate classification (germline): Uncertain significance (1 of 4 stars; one submission).

Submission:

GeneDx
Classification: Uncertain significance. Last evaluated: 2025-05-01. Review status: criteria provided, single submitter. Criteria: GeneDx Variant Classification Process June 2021. Collection method: clinical testing. Allele origin: germline. Affected: yes.
Comment: Not observed at significant frequency in large population cohorts (gnomAD); In silico analysis supports that this missense variant has a deleterious effect on protein structure/function; Has not been previously published as pathogenic or benign to our knowledge

NM_001205293.3(CACNA1E):c.4541A>G (p.Asn1514Ser)

Gene: CACNA1E (calcium voltage-gated channel subunit alpha1 E; plus strand). Cytogenetic location: 1q25.3.
Variant type: single nucleotide variant.
Coding change: c.4541A>G on transcript NM_001205293.3 (MANE Select); coding-DNA position 4541, A replaced by G.
Protein change: p.Asn1514Ser; replaces asparagine 1514 with serine.
Molecular consequence: missense variant.
Genome position (GRCh38, 1-based): chr1:181,758,804, A>G. VCF-style: chr1-181758804-A-G. GRCh37 (hg19) VCF-style: chr1-181727940-A-G.
Other names: c.4541A>G, p.Asn1514Ser (NM_000721.4); c.4484A>G, p.Asn1495Ser (NM_001205294.2); short protein forms N1495S, N1514S.
Identifiers: ClinVar variation 4527699 (VCV004527699.1).